The following is an entry in ClinVar:

NM_006767.4(LZTR1):c.400+5G>T

Gene: LZTR1 (leucine zipper like post translational regulator 1; plus strand). Cytogenetic location: 22q11.21.
Variant type: single nucleotide variant.
Coding change: c.400+5G>T on transcript NM_006767.4 (MANE Select); 5 bases into the intron after coding-DNA position 400, G replaced by T.
Molecular consequence: intron variant.
Genome position (GRCh38, 1-based): chr22:20,987,588, G>T. VCF-style: chr22-20987588-G-T. GRCh37 (hg19) VCF-style: chr22-21341877-G-T.
Identifiers: ClinVar variation 3541567 (VCV003541567.3).

ClinVar aggregate classification (germline): Conflicting classifications of pathogenicity. Review status: criteria provided, conflicting classifications (1 of 4 stars). 2 submissions from 2 submitters: Likely pathogenic (1); Uncertain significance (1). Last evaluated 2024-11-05.

Conditions:
Hereditary cancer-predisposing syndrome. Also called: Hereditary Cancer Syndrome; Hereditary neoplastic syndrome; Tumor predisposition; Neoplastic Syndromes, Hereditary. Identifiers: Orphanet 140162, MedGen C0027672, MeSH D009386, MONDO:0015356.
Cardiovascular phenotype. Identifiers: MedGen CN230736.

Submissions (2):

Labcorp Genetics (formerly Invitae), Labcorp
Classification: Uncertain significance. Last evaluated: 2024-11-05. Review status: criteria provided, single submitter. Criteria: Invitae Variant Classification Sherloc (09022015). Collection method: clinical testing. Allele origin: germline.
Comment: This sequence change falls in intron 4 of the LZTR1 gene. It does not directly change the encoded amino acid sequence of the LZTR1 protein. It affects a nucleotide within the consensus splice site. This variant is not present in population databases (gnomAD no frequency). This variant has not been reported in the literature in individuals affected with LZTR1-related conditions. Variants that disrupt the consensus splice site are a relatively common cause of aberrant splicing (PMID: 17576681, 9536098). Algorithms developed to predict the effect of sequence changes on RNA splicing suggest that this variant may disrupt the consensus splice site. In summary, the available evidence is currently insufficient to determine the role of this variant in disease. Therefore, it has been classified as a Variant of Uncertain Significance.

Ambry Genetics
Classification: Likely pathogenic for Cardiovascular phenotype; Hereditary cancer-predisposing syndrome. Last evaluated: 2024-09-19. Review status: criteria provided, single submitter. Criteria: Ambry Variant Classification Scheme 2023. Collection method: clinical testing. Allele origin: germline.
Comment: The c.400+5G>T intronic variant results from a G to T substitution 5 nucleotides after coding exon 4 in the LZTR1 gene. This nucleotide position is highly conserved in available vertebrate species. In silico splice site analysis predicts that this alteration may weaken the native splice donor site. RNA studies have demonstrated that this alteration results in abnormal splicing in the set of samples tested (Ambry internal data). This variant is considered to be rare based on population cohorts in the Genome Aggregation Database (gnomAD). Loss-of-function variants in LZTR1 are related to an increased risk for schwannomas and autosomal recessive Noonan syndrome; however, such associations with autosomal dominant Noonan syndrome have not been observed (Piotrowski A et al. Nat Genet. 2014 Feb;46:182-7; Yamamoto GL et al. J Med Genet. 2015 Jun;52:413-21; Johnston JJ et al. Genet Med. 2018 10;20:1175-1185). Based on the supporting evidence, this variant is likely pathogenic for an increased risk of LZTR1-related schwannomatosis (SWN) and would be expected to cause autosomal recessive Noonan syndrome when present along with a second pathogenic or likely pathogenic variant on the other allele; however, the association of this alteration with autosomal dominant Noonan syndrome is unlikely.

Literature cited by the submitters: PubMed 17576681 (cited by Labcorp Genetics (formerly Invitae), Labcorp); PubMed 9536098 (cited by Labcorp Genetics (formerly Invitae), Labcorp).